The following is an entry in ClinVar:

ClinVar aggregate classification (germline): Uncertain significance (1 of 4 stars; one submission).

Conditions:
Joubert syndrome 25 (JBTS25). Identifiers: Orphanet 475, MedGen C4084842, MONDO:0014770, OMIM 616781.

Allele frequency attached by ClinVar (database versions not stated): gnomAD exomes below 0.00001.
gnomAD v4.1: 1 of 1,611,628 alleles (0.000062%); highest among the groups gnomAD compares: Non-Finnish European, 0.000085%; no homozygotes.

Submission:

Labcorp Genetics (formerly Invitae), Labcorp
Classification: Uncertain significance for Joubert syndrome 25. Last evaluated: 2024-05-07. Review status: criteria provided, single submitter. Criteria: Invitae Variant Classification Sherloc (09022015). Collection method: clinical testing. Allele origin: germline.
Comment: This sequence change replaces serine, which is neutral and polar, with glycine, which is neutral and non-polar, at codon 406 of the CEP104 protein (p.Ser406Gly). This variant is not present in population databases (gnomAD no frequency). This variant has not been reported in the literature in individuals affected with CEP104-related conditions. ClinVar contains an entry for this variant (Variation ID: 1949574). Algorithms developed to predict the effect of missense changes on protein structure and function output the following: SIFT: "Not Available"; PolyPhen-2: "Benign"; Align-GVGD: "Not Available". The glycine amino acid residue is found in multiple mammalian species, which suggests that this missense change does not adversely affect protein function. In summary, the available evidence is currently insufficient to determine the role of this variant in disease. Therefore, it has been classified as a Variant of Uncertain Significance.

NM_014704.4(CEP104):c.1216A>G (p.Ser406Gly)

Gene: CEP104 (centrosomal protein 104; minus strand). Cytogenetic location: 1p36.32.
Variant type: single nucleotide variant.
Coding change: c.1216A>G on transcript NM_014704.4 (MANE Select); coding-DNA position 1216, A replaced by G.
Protein change: p.Ser406Gly; replaces serine 406 with glycine.
Molecular consequence: missense variant.
Genome position (GRCh38, 1-based): chr1:3,836,596, T>C on the plus strand (A>G on the coding strand, the complement: CEP104 is on the minus strand). VCF-style: chr1-3836596-T-C. GRCh37 (hg19) VCF-style: chr1-3753160-T-C.
Other names: short protein forms S406G.
Identifiers: ClinVar variation 1949574 (VCV001949574.5), dbSNP rs2525448907, ClinGen allele CA338041828.
Genomic context (GRCh38, chr1:3,836,596, plus strand): 5'-TCAAGGCCTTCTCGGTTAAGGGCTCTGGCTCCCCTAACATGCCTCCCCTCCGAGCATCGC[T>C]GATGTCTGCATTACTCATTTCCGGCTCCACCACTGCCTCCCCATAATGCTTACGAATAGC-3'
Protein context (NP_055519.1, residues 396-416): VEPEMSNADI[Ser406Gly]DARRGGMLGE